The following is an entry in ClinVar:

NM_004260.4(RECQL4):c.1843C>G (p.His615Asp)

Gene: RECQL4 (RecQ like helicase 4; minus strand). Cytogenetic location: 8q24.3.
Variant type: single nucleotide variant.
Coding change: c.1843C>G on transcript NM_004260.4 (MANE Select); coding-DNA position 1843, C replaced by G.
Protein change: p.His615Asp; replaces histidine 615 with aspartic acid.
Molecular consequence: missense variant.
Genome position (GRCh38, 1-based): chr8:144,514,224, G>C on the plus strand (C>G on the coding strand, the complement: RECQL4 is on the minus strand). VCF-style: chr8-144514224-G-C. GRCh37 (hg19) VCF-style: chr8-145739608-G-C.
Other names: c.1747C>G, p.His583Asp (NM_001413017.1, NM_001413020.1); c.1843C>G, p.His615Asp (NM_001413018.1, NM_001413019.1, NM_001413036.1); c.772C>G, p.His258Asp (NM_001413021.1, NM_001413022.1, NM_001413023.1 and 6 more transcripts); c.1714C>G, p.His572Asp (NM_001413025.1); c.706C>G, p.His236Asp (NM_001413027.1, NM_001413030.1, NM_001413032.1 and 1 more transcripts); c.1492C>G, p.His498Asp (NM_001413029.1); c.574C>G, p.His192Asp (NM_001413031.1); c.1711C>G, p.His571Asp (NM_001413033.1); and 4 more; short protein forms H605D, H498D, H126D, H192D, H214D, H258D, H572D, H236D.
Identifiers: ClinVar variation 2181588 (VCV002181588.4), dbSNP rs1355971313, ClinGen allele CA372680675.

ClinVar aggregate classification (germline): Uncertain significance (1 of 4 stars; one submission).

Conditions:
Baller-Gerold syndrome (BGS). Also called: CRANIOSYNOSTOSIS WITH RADIAL DEFECTS. Identifiers: Orphanet 1225, MedGen C0265308, MONDO:0009039, OMIM 218600.

Submission:

Labcorp Genetics (formerly Invitae), Labcorp
Classification: Uncertain significance for Baller-Gerold syndrome. Last evaluated: 2023-03-18. Review status: criteria provided, single submitter. Criteria: Invitae Variant Classification Sherloc (09022015). Collection method: clinical testing. Allele origin: germline.
Comment: In summary, the available evidence is currently insufficient to determine the role of this variant in disease. Therefore, it has been classified as a Variant of Uncertain Significance. Advanced modeling of protein sequence and biophysical properties (such as structural, functional, and spatial information, amino acid conservation, physicochemical variation, residue mobility, and thermodynamic stability) performed at Invitae indicates that this missense variant is expected to disrupt RECQL4 protein function. ClinVar contains an entry for this variant (Variation ID: 2181588). This variant has not been reported in the literature in individuals affected with RECQL4-related conditions. This variant is not present in population databases (gnomAD no frequency). This sequence change replaces histidine, which is basic and polar, with aspartic acid, which is acidic and polar, at codon 615 of the RECQL4 protein (p.His615Asp).